The following is an entry in ClinVar:

NM_033380.3(COL4A5):c.592G>A (p.Gly198Arg)

Gene: COL4A5 (collagen type IV alpha 5 chain; plus strand). Cytogenetic location: Xq22.3.
Variant type: single nucleotide variant.
Coding change: c.592G>A on transcript NM_033380.3 (MANE Select); coding-DNA position 592, G replaced by A.
Protein change: p.Gly198Arg; replaces glycine 198 with arginine.
Molecular consequence: missense variant.
Genome position (GRCh38, 1-based): chrX:108,575,955, G>A. VCF-style: chrX-108575955-G-A. GRCh37 (hg19) VCF-style: chrX-107819185-G-A.
Other names: c.592G>A, p.Gly198Arg (NM_000495.5); short protein forms G198R.
Identifiers: ClinVar variation 4796725 (VCV004796725.1).

ClinVar aggregate classification (germline): Uncertain significance (1 of 4 stars; one submission).

Conditions:
X-linked Alport syndrome (ATS1). Also called: COL4A5-Related Nephropathy; NEPHROPATHY AND DEAFNESS, X-LINKED. Identifiers: Orphanet 63, Orphanet 88917, MedGen C4746986, MONDO:0010520, OMIM 301050.

Submission:

Department of Nephrology, Rheumatology and Immunology, Shanghai Children's Hospital
Classification: Uncertain significance for X-linked Alport syndrome. Last evaluated: 2016-07-01. Review status: criteria provided, single submitter. Criteria: ACMG Guidelines, 2015. Collection method: clinical testing. Allele origin: maternal. Affected: yes. Observed: 1 variant allele.
Comment: The NM_000495.5(COL4A5):c.592G>A (p.Gly198Arg) is a missense variant. This variant is not observed in the gnomAD v3.1.2 (GRCh38) population database (PM2). Multiple computational tools, including SIFT, PolyPhen-2, and MutationTaster, predict this variant to have a deleterious effect on the protein product (PP3). In summary, this variant meets criteria to be classified as Uncertain Significance for Alport syndrome based on the ACMG/AMP 2015 criteria applied: PM2, PP1, PP3, PP4.